The following is an entry in ClinVar:

ClinVar aggregate classification (germline): Likely pathogenic (1 of 4 stars; one submission).

Conditions:
Dilated cardiomyopathy 1G (CMD1G). Identifiers: Orphanet 154, MedGen C1858763, MONDO:0011400, OMIM 604145.
Autosomal recessive limb-girdle muscular dystrophy type 2J (LGMDR10). Also called: Limb-girdle muscular dystrophy, type 2J; MUSCULAR DYSTROPHY, LIMB-GIRDLE, AUTOSOMAL RECESSIVE 10. Identifiers: Orphanet 140922, MedGen C1837342, MONDO:0012127, OMIM 608807.

Submission:

Labcorp Genetics (formerly Invitae), Labcorp
Classification: Likely pathogenic for Dilated cardiomyopathy 1G; Autosomal recessive limb-girdle muscular dystrophy type 2J. Last evaluated: 2020-08-14. Review status: criteria provided, single submitter. Criteria: Invitae Variant Classification Sherloc (09022015). Collection method: clinical testing. Allele origin: germline.
Comment: In summary, the currently available evidence indicates that the variant is pathogenic, but additional data are needed to prove that conclusively. Therefore, this variant has been classified as Likely Pathogenic. This variant is located in the A band of TTN (PMID: 25589632). Truncating variants in this region are significantly overrepresented in patients affected with dilated cardiomyopathy (PMID: 25589632). Truncating variants in this region have also been reported in individuals affected with autosomal recessive centronuclear myopathy (PMID: 23975875). This variant has not been reported in the literature in individuals with TTN-related conditions. This variant is not present in population databases (ExAC no frequency). This sequence change results in a premature translational stop signal in the TTN gene (p.Val18265Leufs*27). While this is not anticipated to result in nonsense mediated decay, it is expected to create a truncated TTN protein.

Literature cited by the submitters: PubMed 25589632; PubMed 23975875.

NM_001267550.2(TTN):c.54793del (p.Val18265fs)

Genes: TTN (titin; minus strand), TTN-AS1 (TTN antisense RNA 1; plus strand). Cytogenetic location: 2q31.2.
Variant type: Deletion.
Coding change: c.54793del on transcript NM_001267550.2 (MANE Select); coding-DNA position 54793, one base deleted (G; older notation c.54793delG).
Protein change: p.Val18265fs; shifts the reading frame from valine 18265.
Molecular consequence: frameshift variant.
Genome position (GRCh38, 1-based): chr2:178,603,894, C deleted on the plus strand (G on the coding strand, the reverse complement: TTN is on the minus strand); the first of 2 consecutive C bases (chr2:178,603,894-178,603,895); deleting either gives the same sequence. VCF-style (leftmost placement, unchanged base first): chr2-178603893-AC-A. GRCh37 (hg19) VCF-style: chr2-179468620-AC-A.
Other names: c.49870del, p.Val16624fs (NM_001256850.1); c.27598del, p.Val9200fs (NM_003319.4); c.47089del, p.Val15697fs (NM_133378.4); c.27973del, p.Val9325fs (NM_133432.3); c.28174del, p.Val9392fs (NM_133437.4); short protein forms V15697fs, V16624fs, V18265fs, V9200fs, V9325fs, V9392fs.
Identifiers: ClinVar variation 1066282 (VCV001066282.9), dbSNP rs2154194616, ClinGen allele CA2499215420.